The following is an entry in ClinVar:

NM_005876.5(SPEG):c.7956C>G (p.Ala2652=)

Genes: ASIC4-AS1 (ASIC4 antisense RNA 1; minus strand), SPEG (striated muscle enriched protein kinase; plus strand). Cytogenetic location: 2q35.
Variant type: single nucleotide variant.
Coding change: c.7956C>G on transcript NM_005876.5 (MANE Select); coding-DNA position 7956, C replaced by G.
Protein change: p.Ala2652=; no amino-acid change (alanine 2652 retained).
Molecular consequence: synonymous variant.
Genome position (GRCh38, 1-based): chr2:219,488,595, C>G. VCF-style: chr2-219488595-C-G. GRCh37 (hg19) VCF-style: chr2-220353317-C-G.
Other names: c.7956C>G (NM_005876.4).
Identifiers: ClinVar variation 2154667 (VCV002154667.7), dbSNP rs369139684, ClinGen allele CA2127342.

ClinVar aggregate classification (germline): Benign/Likely benign. Review status: criteria provided, multiple submitters, no conflicts (2 of 4 stars). 3 submissions from 3 submitters: Benign (1); Likely benign (1). 1 of the submissions does not count toward it. Last evaluated 2025-05-17.

Conditions:
SPEG-related disorder. Also called: SPEG-related condition.

Allele frequency attached by ClinVar (database versions not stated): ESP Exome Variant Server 0.00016.

Submissions (3):

Labcorp Genetics (formerly Invitae), Labcorp
Classification: Benign. Last evaluated: 2025-05-17. Review status: criteria provided, single submitter. Criteria: Invitae Variant Classification Sherloc (09022015). Collection method: clinical testing. Allele origin: germline.

Blueprint Genetics
Classification: Likely benign. Last evaluated: 2024-11-04. Review status: criteria provided, single submitter. Criteria: ACMG Guidelines, 2015. Collection method: clinical testing. Allele origin: germline.

PreventionGenetics, part of Exact Sciences
Classification: Likely benign for SPEG-related condition. Last evaluated: 2019-09-23. Review status: no assertion criteria provided. Collection method: clinical testing. Allele origin: germline. Not counted in ClinVar's aggregate classification.
Comment: This variant is classified as likely benign based on ACMG/AMP sequence variant interpretation guidelines (Richards et al. 2015 PMID: 25741868, with internal and published modifications).